The following is an entry in ClinVar:

NM_000051.4(ATM):c.2993T>G (p.Val998Gly)

Gene: ATM (ATM serine/threonine kinase; plus strand). Cytogenetic location: 11q22.3.
Variant type: single nucleotide variant.
Coding change: c.2993T>G on transcript NM_000051.4 (MANE Select); coding-DNA position 2993, T replaced by G.
Protein change: p.Val998Gly; replaces valine 998 with glycine.
Molecular consequence: missense variant.
Genome position (GRCh38, 1-based): chr11:108,271,322, T>G. VCF-style: chr11-108271322-T-G. GRCh37 (hg19) VCF-style: chr11-108142049-T-G.
Other names: c.2993T>G, p.Val998Gly (NM_001351834.2); short protein forms V998G.
Identifiers: ClinVar variation 1476416 (VCV001476416.7), dbSNP rs2135553024, ClinGen allele CA382547364.

ClinVar aggregate classification (germline): Uncertain significance. Review status: criteria provided, multiple submitters, no conflicts (2 of 4 stars). 2 submissions from 2 submitters: Uncertain significance (2). Last evaluated 2023-04-20.

Conditions:
Hereditary cancer-predisposing syndrome. Also called: Hereditary neoplastic syndrome; Tumor predisposition; Neoplastic Syndromes, Hereditary; Hereditary Cancer Syndrome. Identifiers: Orphanet 140162, MedGen C0027672, MeSH D009386, MONDO:0015356.
Ataxia-telangiectasia syndrome (AT). Also called: ATAXIA-TELANGIECTASIA, COMPLEMENTATION GROUP A; ATAXIA-TELANGIECTASIA, FRESNO VARIANT; LOUIS-BAR SYNDROME; Ataxia-telangiectasia; Cerebello-oculocutaneous telangiectasia; Immunodeficiency with ataxia telangiectasia. Identifiers: Orphanet 100, MedGen C0004135, MONDO:0008840, OMIM 208900.

Submissions (2):

Ambry Genetics
Classification: Uncertain significance for Hereditary cancer-predisposing syndrome. Last evaluated: 2023-04-20. Review status: criteria provided, single submitter. Criteria: Ambry Variant Classification Scheme 2023. Collection method: clinical testing. Allele origin: germline.
Comment: The p.V998G variant (also known as c.2993T>G), located in coding exon 19 of the ATM gene, results from a T to G substitution at nucleotide position 2993. The valine at codon 998 is replaced by glycine, an amino acid with dissimilar properties. This amino acid position is not well conserved in available vertebrate species. In addition, the in silico prediction for this alteration is inconclusive. Since supporting evidence is limited at this time, the clinical significance of this alteration remains unclear.

Labcorp Genetics (formerly Invitae), Labcorp
Classification: Uncertain significance for Ataxia-telangiectasia syndrome. Last evaluated: 2021-08-31. Review status: criteria provided, single submitter. Criteria: Invitae Variant Classification Sherloc (09022015). Collection method: clinical testing. Allele origin: germline.
Comment: This sequence change replaces valine with glycine at codon 998 of the ATM protein (p.Val998Gly). The valine residue is weakly conserved and there is a moderate physicochemical difference between valine and glycine. This variant is not present in population databases (ExAC no frequency). This variant has not been reported in the literature in individuals affected with ATM-related conditions. Advanced modeling of protein sequence and biophysical properties (such as structural, functional, and spatial information, amino acid conservation, physicochemical variation, residue mobility, and thermodynamic stability) performed at Invitae indicates that this missense variant is not expected to disrupt ATM protein function. In summary, the available evidence is currently insufficient to determine the role of this variant in disease. Therefore, it has been classified as a Variant of Uncertain Significance.